The following is an entry in ClinVar:

NM_000081.4(LYST):c.4469del (p.Thr1490fs)

Gene: LYST (lysosomal trafficking regulator; minus strand). Cytogenetic location: 1q42.3.
Variant type: Deletion.
Coding change: c.4469del on transcript NM_000081.4 (MANE Select); coding-DNA position 4469, one base deleted (C; older notation c.4469delC).
Protein change: p.Thr1490fs; shifts the reading frame from threonine 1490.
Molecular consequence: frameshift variant.
Genome position (GRCh38, 1-based): chr1:235,791,773, G deleted on the plus strand (C on the coding strand, the reverse complement: LYST is on the minus strand). VCF-style (leftmost placement, unchanged base first): chr1-235791772-AG-A. GRCh37 (hg19) VCF-style: chr1-235955072-AG-A.
Other names: c.4469del, p.Thr1490fs (NM_001301365.1); short protein forms T1490fs.
Identifiers: ClinVar variation 2813474 (VCV002813474.3), dbSNP rs760333915, ClinGen allele CA1466842.

ClinVar aggregate classification (germline): Pathogenic (1 of 4 stars; one submission).

Conditions:
Chédiak-Higashi syndrome (CHS). Also called: Chediak-Higashi Syndrome. Identifiers: Orphanet 167, MedGen C0007965, MONDO:0008963, OMIM 214500.

Allele frequency attached by ClinVar (database versions not stated): gnomAD exomes below 0.00001; ExAC 0.00001; gnomAD 0.00001.

Submission:

Labcorp Genetics (formerly Invitae), Labcorp
Classification: Pathogenic for Chédiak-Higashi syndrome. Last evaluated: 2022-11-10. Review status: criteria provided, single submitter. Criteria: Invitae Variant Classification Sherloc (09022015). Collection method: clinical testing. Allele origin: germline.
Comment: For these reasons, this variant has been classified as Pathogenic. This sequence change creates a premature translational stop signal (p.Thr1490Ilefs*8) in the LYST gene. It is expected to result in an absent or disrupted protein product. Loss-of-function variants in LYST are known to be pathogenic (PMID: 9215679, 11857544). This variant is present in population databases (rs760333915, gnomAD 0.007%). This variant has not been reported in the literature in individuals affected with LYST-related conditions.

Literature cited by the submitters: PubMed 9215679; PubMed 11857544.